The following is an entry in ClinVar:

NM_000069.3(CACNA1S):c.397G>A (p.Gly133Arg)

Gene: CACNA1S (calcium voltage-gated channel subunit alpha1 S; minus strand). Cytogenetic location: 1q32.1.
Variant type: single nucleotide variant.
Coding change: c.397G>A on transcript NM_000069.3 (MANE Select); coding-DNA position 397, G replaced by A.
Protein change: p.Gly133Arg; replaces glycine 133 with arginine.
Molecular consequence: missense variant.
Genome position (GRCh38, 1-based): chr1:201,093,883, C>T on the plus strand (G>A on the coding strand, the complement: CACNA1S is on the minus strand). VCF-style: chr1-201093883-C-T. GRCh37 (hg19) VCF-style: chr1-201063011-C-T.
Other names: short protein forms G133R.
Identifiers: ClinVar variation 3826684 (VCV003826684.2).
Genomic context (GRCh38, chr1:201,093,883, plus strand): 5'-GTGGGCACACAGTCCTCAGCGAGGGTCTGACCTTCAGTCTCCCCACACCCAGCTCTCACC[C>T]CAGGAAGACAATGGTGAAGTCCAGCACATTCCAGCCACTGCGCAGGTAAGCGTCCTGGTG-3'
Protein context (NP_000060.2, residues 123-143): NVLDFTIVFL[Gly133Arg]VFTVILEQVN

ClinVar aggregate classification (germline): Uncertain significance. Review status: criteria provided, multiple submitters, no conflicts (2 of 4 stars). 2 submissions from 2 submitters: Uncertain significance (2). Last evaluated 2025-03-10.

Conditions:
Hypokalemic periodic paralysis, type 1. Also called: Hypokalemic Periodic Paralysis Type 1 (AD); HypoPP. Identifiers: Orphanet 681, MedGen C3714580, MONDO:0042979, OMIM 170400.
Malignant hyperthermia, susceptibility to, 5 (MHS5). Also called: CACNA1S-Related Malignant Hyperthermia Susceptibility. Identifiers: Orphanet 423, MedGen C1866077, MONDO:0011163, OMIM 601887.
Inborn genetic diseases. Identifiers: MedGen C0950123, MeSH D030342.

gnomAD v4.1: 10 of 1,613,956 alleles (0.00062%); highest among the groups gnomAD compares: Non-Finnish European, 0.00085%; no homozygotes.

Submissions (2):

Labcorp Genetics (formerly Invitae), Labcorp
Classification: Uncertain significance for Hypokalemic periodic paralysis, type 1; Malignant hyperthermia, susceptibility to, 5. Last evaluated: 2025-03-10. Review status: criteria provided, single submitter. Criteria: Invitae Variant Classification Sherloc (09022015). Collection method: clinical testing. Allele origin: germline.
Comment: This sequence change replaces glycine, which is neutral and non-polar, with arginine, which is basic and polar, at codon 133 of the CACNA1S protein (p.Gly133Arg). This variant is not present in population databases (gnomAD no frequency). This variant has not been reported in the literature in individuals affected with CACNA1S-related conditions. Invitae Evidence Modeling of protein sequence and biophysical properties (such as structural, functional, and spatial information, amino acid conservation, physicochemical variation, residue mobility, and thermodynamic stability) has been performed for this missense variant. However, the output from this modeling did not meet the statistical confidence thresholds required to predict the impact of this variant on CACNA1S protein function. In summary, the available evidence is currently insufficient to determine the role of this variant in disease. Therefore, it has been classified as a Variant of Uncertain Significance.

Ambry Genetics
Classification: Uncertain significance for Inborn genetic diseases. Last evaluated: 2025-01-21. Review status: criteria provided, single submitter. Criteria: Ambry Variant Classification Scheme 2023. Collection method: clinical testing. Allele origin: germline.